The following is an entry in ClinVar:

ClinVar aggregate classification (germline): Uncertain significance (1 of 4 stars; one submission).

gnomAD v4.1: 50 of 1,613,310 alleles (0.0031%); highest among the groups gnomAD compares: East Asian, 0.0089%; no homozygotes.

Submission:

Labcorp Genetics (formerly Invitae), Labcorp
Classification: Uncertain significance. Last evaluated: 2025-09-19. Review status: criteria provided, single submitter. Criteria: Invitae Variant Classification Sherloc (09022015). Collection method: clinical testing. Allele origin: germline.
Comment: This sequence change replaces asparagine, which is neutral and polar, with serine, which is neutral and polar, at codon 5523 of the HMCN1 protein (p.Asn5523Ser). This variant is present in population databases (rs750859777, gnomAD 0.01%). This variant has not been reported in the literature in individuals affected with HMCN1-related conditions. ClinVar contains an entry for this variant (Variation ID: 3633430). An algorithm developed to predict the effect of missense changes on protein structure and function (PolyPhen-2) suggests that this variant is likely to be disruptive. In summary, the available evidence is currently insufficient to determine the role of this variant in disease. Therefore, it has been classified as a Variant of Uncertain Significance.

NM_031935.3(HMCN1):c.16568A>G (p.Asn5523Ser)

Gene: HMCN1 (hemicentin 1; plus strand). Cytogenetic location: 1q31.1.
Variant type: single nucleotide variant.
Coding change: c.16568A>G on transcript NM_031935.3 (MANE Select); coding-DNA position 16568, A replaced by G.
Protein change: p.Asn5523Ser; replaces asparagine 5523 with serine.
Molecular consequence: missense variant.
Genome position (GRCh38, 1-based): chr1:186,189,538, A>G. VCF-style: chr1-186189538-A-G. GRCh37 (hg19) VCF-style: chr1-186158670-A-G.
Other names: short protein forms N5523S.
Identifiers: ClinVar variation 3633430 (VCV003633430.2).